The following is an entry in ClinVar:

NM_003283.6(TNNT1):c.129-5C>G

Gene: TNNT1 (troponin T1, slow skeletal type; minus strand). Cytogenetic location: 19q13.42.
Variant type: single nucleotide variant.
Coding change: c.129-5C>G on transcript NM_003283.6 (MANE Select); 5 bases into the intron before coding-DNA position 129, C replaced by G.
Molecular consequence: intron variant.
Genome position (GRCh38, 1-based): chr19:55,141,925, G>C on the plus strand (C>G on the coding strand, the complement: TNNT1 is on the minus strand). VCF-style: chr19-55141925-G-C. GRCh37 (hg19) VCF-style: chr19-55653293-G-C.
Other names: c.96-5C>G (NM_001126133.3, NM_001291774.2); c.129-5C>G (NM_001126132.3).
Identifiers: ClinVar variation 653885 (VCV000653885.11), dbSNP rs997219637, ClinGen allele CA310135723.

ClinVar aggregate classification (germline): Uncertain significance. Review status: criteria provided, multiple submitters, no conflicts (2 of 4 stars). 2 submissions from 2 submitters: Uncertain significance (2). Last evaluated 2022-06-13.

Conditions:
Nemaline myopathy 5 (NEM5A). Also called: NEMALINE MYOPATHY, AMISH TYPE; Nemaline myopathy 5, Amish type; NEMALINE MYOPATHY 5A, AUTOSOMAL RECESSIVE, SEVERE INFANTILE. Identifiers: Orphanet 98902, MedGen C1854380, MONDO:0011539, OMIM 605355.

Allele frequency attached by ClinVar (database versions not stated): TOPMed 0.00002.
gnomAD v4.1: 2 of 1,614,042 alleles (0.00012%); highest among the groups gnomAD compares: African/African-American, 0.0013%; no homozygotes.

Submissions (2):

Labcorp Genetics (formerly Invitae), Labcorp
Classification: Uncertain significance for Nemaline myopathy 5. Last evaluated: 2022-06-13. Review status: criteria provided, single submitter. Criteria: Invitae Variant Classification Sherloc (09022015). Collection method: clinical testing. Allele origin: germline.
Comment: In summary, the available evidence is currently insufficient to determine the role of this variant in disease. Therefore, it has been classified as a Variant of Uncertain Significance. Algorithms developed to predict the effect of sequence changes on RNA splicing suggest that this variant may disrupt the consensus splice site. ClinVar contains an entry for this variant (Variation ID: 653885). This variant has been observed in individual(s) with clinical features of nemaline myopathy (Invitae). This variant is not present in population databases (gnomAD no frequency). This sequence change falls in intron 6 of the TNNT1 gene. It does not directly change the encoded amino acid sequence of the TNNT1 protein.

Baylor Genetics
Classification: Uncertain significance for Nemaline myopathy 5. Last evaluated: 2020-03-08. Review status: criteria provided, single submitter. Criteria: ACMG Guidelines, 2015. Collection method: clinical testing. Allele origin: unknown. Affected: yes.
Comment: This variant was determined to be of uncertain significance according to ACMG Guidelines, 2015 [PMID:25741868].